The following is an entry in ClinVar:

ClinVar aggregate classification (germline): Likely benign. Review status: reviewed by expert panel (3 of 4 stars). 10 submissions from 10 submitters: Likely benign (1). 9 of the submissions do not count toward it. Last evaluated 2017-06-29.

Conditions:
BRCA2-related cancer predisposition. Identifiers: MedGen CN377758, MONDO:0700269.
BRCA2-related disorder. Also called: BRCA2-related condition; BRCA2-related disorders. Identifiers: MedGen CN239275.
Hereditary cancer-predisposing syndrome. Also called: Tumor predisposition; Hereditary Cancer Syndrome; Hereditary neoplastic syndrome; Neoplastic Syndromes, Hereditary. Identifiers: Orphanet 140162, MedGen C0027672, MeSH D009386, MONDO:0015356.
Hereditary breast ovarian cancer syndrome. Also called: Breast and ovarian cancer; Hereditary breast and ovarian cancer syndrome; Hereditary breast and ovarian cancer; BRCA1- and BRCA2-Associated Hereditary Breast and Ovarian Cancer; Hereditary breast and ovarian cancer syndrome (HBOC); Hereditary breast and/or ovarian cancer syndrome. Identifiers: Orphanet 145, MedGen C0677776, MeSH D061325, MONDO:0003582. Disease mechanism: loss of function.
Breast-ovarian cancer, familial, susceptibility to, 2 (BROVCA2). Also called: BRCA2 Hereditary Breast and Ovarian Cancer. Identifiers: Orphanet 145, MedGen C2675520, MONDO:0012933, OMIM 612555. Disease mechanism: loss of function.

Allele frequency attached by ClinVar (database versions not stated): ExAC 0.00001; gnomAD 0.00001; gnomAD exomes 0.00001 and 0.00002; TOPMed 0.00002.
gnomAD v4.1: 11 of 1,578,988 alleles (0.0007%); highest among the groups gnomAD compares: Admixed American, 0.01%; no homozygotes.

Submissions (10):

Evidence-based Network for the Interpretation of Germline Mutant Alleles (ENIGMA)
Classification: Likely benign for Breast-ovarian cancer, familial, susceptibility to, 2. Last evaluated: 2017-06-29. Review status: reviewed by expert panel. Criteria: ENIGMA BRCA1/2 Classification Criteria (2017-06-29). Collection method: curation. Allele origin: germline.
Comment: Synonymous substitution variant, with low bioinformatic likelihood to result in a splicing aberration (Splicing prior probability 0.02).

Labcorp Genetics (formerly Invitae), Labcorp
Classification: Likely benign for Hereditary breast ovarian cancer syndrome. Last evaluated: 2026-01-18. Review status: criteria provided, single submitter. Criteria: Invitae Variant Classification Sherloc (09022015). Collection method: clinical testing. Allele origin: germline. Not counted in ClinVar's aggregate classification.

All of Us Research Program, National Institutes of Health
Classification: Likely benign for BRCA2-related cancer predisposition. Last evaluated: 2024-07-20. Review status: criteria provided, single submitter. Criteria: ACMG Guidelines, 2015. Collection method: clinical testing. Allele origin: germline. Inheritance: Autosomal dominant inheritance. Observed: 4 variant alleles, 4 heterozygotes. Not counted in ClinVar's aggregate classification.
Comment: This study involves interpretation of variants in research participants for the purpose of population health screening. Participant phenotype was not available at the time of variant classification. Additional details can be found in publication PMID: 35346344, PMCID: PMC8962531

Quest Diagnostics Nichols Institute San Juan Capistrano
Classification: Benign. Last evaluated: 2023-05-01. Review status: criteria provided, single submitter. Criteria: Quest Diagnostics criteria. Collection method: clinical testing. Allele origin: unknown. Not counted in ClinVar's aggregate classification.

Sema4
Classification: Likely benign for Hereditary cancer-predisposing syndrome. Last evaluated: 2021-01-15. Review status: criteria provided, single submitter. Criteria: Sema4 Curation Guidelines. Collection method: curation. Allele origin: germline. Not counted in ClinVar's aggregate classification.

GeneDx
Classification: Likely benign. Last evaluated: 2020-09-29. Review status: criteria provided, single submitter. Criteria: GeneDx Variant Classification Process June 2021. Collection method: clinical testing. Allele origin: germline. Affected: yes. Not counted in ClinVar's aggregate classification.
Comment: This variant is associated with the following publications: (PMID: 27633797)

Women's Health and Genetics/Laboratory Corporation of America, LabCorp
Classification: Likely benign. Last evaluated: 2018-04-30. Review status: criteria provided, single submitter. Criteria: LabCorp Variant Classification Summary - May 2015. Collection method: clinical testing. Allele origin: germline. Not counted in ClinVar's aggregate classification.
Comment: Variant summary: BRCA2 c.324T>C alters a non-conserved nucleotide resulting in a synonymous change. 5/5 computational tools predict no significant impact on normal splicing. However, these predictions have yet to be confirmed by functional studies. The variant allele was found at a frequency of 1.8e-05 in 276490 control chromosomes. This frequency is not significantly higher than expected for a pathogenic variant in BRCA2 causing Hereditary Breast and Ovarian Cancer (1.8e-05 vs 0.00075), allowing no conclusion about variant significance. To our knowledge, no occurrence of c.324T>C in individuals affected with Hereditary Breast and Ovarian Cancer and no experimental evidence demonstrating its impact on protein function have been reported. Co-occurrences with other pathogenic variant(s) have been reported (BRCA2, p.Ser871X; BRCA1, p.Gln1395X; BRCA1, p.Gln1756ProfsX74), providing supporting evidence for a benign role. Three clinical diagnostic laboratories have submitted clinical-significance assessments for this variant to ClinVar after 2014 without evidence for independent evaluation. All laboratories classified the variant as likely benign. Based on the evidence outlined above, the variant was classified as likely benign.

Color Diagnostics, LLC DBA Color Health
Classification: Likely benign for Hereditary cancer-predisposing syndrome. Last evaluated: 2016-05-16. Review status: criteria provided, single submitter. Criteria: ACMG Guidelines, 2015. Collection method: clinical testing. Allele origin: germline. Not counted in ClinVar's aggregate classification.

Ambry Genetics
Classification: Likely benign for Hereditary cancer-predisposing syndrome. Last evaluated: 2014-07-15. Review status: criteria provided, single submitter. Criteria: Ambry Variant Classification Scheme 2023. Collection method: clinical testing. Allele origin: germline. Not counted in ClinVar's aggregate classification.

PreventionGenetics, part of Exact Sciences
Classification: Likely benign for BRCA2-related condition. Last evaluated: 2023-10-04. Review status: no assertion criteria provided. Collection method: clinical testing. Allele origin: germline. Not counted in ClinVar's aggregate classification.
Comment: This variant is classified as likely benign based on ACMG/AMP sequence variant interpretation guidelines (Richards et al. 2015 PMID: 25741868, with internal and published modifications).

Literature cited by the submitters: PubMed 21120943 (cited by Quest Diagnostics Nichols Institute San Juan Capistrano).

NM_000059.4(BRCA2):c.324T>C (p.Asn108=)

Gene: BRCA2 (BRCA2 DNA repair associated; plus strand). Cytogenetic location: 13q13.1.
Variant type: single nucleotide variant.
Coding change: c.324T>C on transcript NM_000059.4 (MANE Select); coding-DNA position 324, T replaced by C.
Protein change: p.Asn108=; no amino-acid change (asparagine 108 retained).
Molecular consequence: synonymous variant.
Genome position (GRCh38, 1-based): chr13:32,325,083, T>C. VCF-style: chr13-32325083-T-C. GRCh37 (hg19) VCF-style: chr13-32899220-T-C.
Identifiers: ClinVar variation 184303 (VCV000184303.30), dbSNP rs772010158, ClinGen allele CA017622.